The following is an entry in ClinVar:

NM_000321.3(RB1):c.1380G>A (p.Met460Ile)

Gene: RB1 (RB transcriptional corepressor 1; plus strand). Cytogenetic location: 13q14.2.
Variant type: single nucleotide variant.
Coding change: c.1380G>A on transcript NM_000321.3 (MANE Select); coding-DNA position 1380, G replaced by A.
Protein change: p.Met460Ile; replaces methionine 460 with isoleucine.
Molecular consequence: missense variant.
Genome position (GRCh38, 1-based): chr13:48,379,641, G>A. VCF-style: chr13-48379641-G-A. GRCh37 (hg19) VCF-style: chr13-48953777-G-A.
Other names: short protein forms M460I.
Identifiers: ClinVar variation 961343 (VCV000961343.10), dbSNP rs1948514475, ClinGen allele CA388162633.

ClinVar aggregate classification (germline): Uncertain significance. Review status: criteria provided, multiple submitters, no conflicts (2 of 4 stars). 2 submissions from 2 submitters: Uncertain significance (2). Last evaluated 2026-02-24.

Conditions:
Hereditary cancer-predisposing syndrome. Also called: Tumor predisposition; Hereditary neoplastic syndrome; Hereditary Cancer Syndrome; Neoplastic Syndromes, Hereditary. Identifiers: Orphanet 140162, MedGen C0027672, MeSH D009386, MONDO:0015356.
Retinoblastoma (RB1). Also called: RETINOBLASTOMA, SOMATIC. Identifiers: Orphanet 790, MedGen C0035335, MeSH D012175, MONDO:0008380, OMIM 180200, HP:0009919. Disease mechanism: loss of function. Inheritance: Both sporadic and heritable forms are tested..

Allele frequency attached by ClinVar (database versions not stated): gnomAD exomes below 0.00001.
gnomAD v4.1: 1 of 1,611,742 alleles (0.000062%); highest among the groups gnomAD compares: Non-Finnish European, 0.000085%; no homozygotes.

Submissions (2):

Ambry Genetics
Classification: Uncertain significance for Hereditary cancer-predisposing syndrome. Last evaluated: 2026-02-24. Review status: criteria provided, single submitter. Criteria: Ambry Variant Classification Scheme 2023. Collection method: clinical testing. Allele origin: germline.
Comment: The p.M460I variant (also known as c.1380G>A), located in coding exon 14 of the RB1 gene, results from a G to A substitution at nucleotide position 1380. The methionine at codon 460 is replaced by isoleucine, an amino acid with highly similar properties. This amino acid position is conserved. In addition, the in silico prediction for this alteration is inconclusive. Based on the available evidence, the clinical significance of this variant remains unclear.

Labcorp Genetics (formerly Invitae), Labcorp
Classification: Uncertain significance for Retinoblastoma. Last evaluated: 2024-09-29. Review status: criteria provided, single submitter. Criteria: Invitae Variant Classification Sherloc (09022015). Collection method: clinical testing. Allele origin: germline.
Comment: This sequence change replaces methionine, which is neutral and non-polar, with isoleucine, which is neutral and non-polar, at codon 460 of the RB1 protein (p.Met460Ile). This variant is not present in population databases (gnomAD no frequency). This variant has not been reported in the literature in individuals affected with RB1-related conditions. ClinVar contains an entry for this variant (Variation ID: 961343). Invitae Evidence Modeling of protein sequence and biophysical properties (such as structural, functional, and spatial information, amino acid conservation, physicochemical variation, residue mobility, and thermodynamic stability) indicates that this missense variant is not expected to disrupt RB1 protein function with a negative predictive value of 80%. In summary, the available evidence is currently insufficient to determine the role of this variant in disease. Therefore, it has been classified as a Variant of Uncertain Significance.